The following is an entry in ClinVar:

ClinVar aggregate classification (germline): Uncertain significance (1 of 4 stars; one submission).

Conditions:
Ullrich congenital muscular dystrophy 2 (UCMD2). Identifiers: Orphanet 75840, MedGen C4225314, MONDO:0014654, OMIM 616470.
Bethlem myopathy 2 (BTHLM2). Identifiers: Orphanet 536516, Orphanet 610, MedGen C4225313, MONDO:0034022, OMIM 616471.

gnomAD v4.1: 1 of 1,613,662 alleles (0.000062%); highest among the groups gnomAD compares: South Asian, 0.0011%; no homozygotes.

Submission:

Labcorp Genetics (formerly Invitae), Labcorp
Classification: Uncertain significance for Bethlem myopathy 2; Ullrich congenital muscular dystrophy 2. Last evaluated: 2024-09-27. Review status: criteria provided, single submitter. Criteria: Invitae Variant Classification Sherloc (09022015). Collection method: clinical testing. Allele origin: germline.
Comment: This sequence change replaces glycine, which is neutral and non-polar, with alanine, which is neutral and non-polar, at codon 1206 of the COL12A1 protein (p.Gly1206Ala). This variant is not present in population databases (gnomAD no frequency). This variant has not been reported in the literature in individuals affected with COL12A1-related conditions. Invitae Evidence Modeling of protein sequence and biophysical properties (such as structural, functional, and spatial information, amino acid conservation, physicochemical variation, residue mobility, and thermodynamic stability) has been performed for this missense variant. However, the output from this modeling did not meet the statistical confidence thresholds required to predict the impact of this variant on COL12A1 protein function. In summary, the available evidence is currently insufficient to determine the role of this variant in disease. Therefore, it has been classified as a Variant of Uncertain Significance.

NM_004370.6(COL12A1):c.3617G>C (p.Gly1206Ala)

Gene: COL12A1 (collagen type XII alpha 1 chain; minus strand). Cytogenetic location: 6q13.
Variant type: single nucleotide variant.
Coding change: c.3617G>C on transcript NM_004370.6 (MANE Select); coding-DNA position 3617, G replaced by C.
Protein change: p.Gly1206Ala; replaces glycine 1206 with alanine.
Molecular consequence: missense variant.
Genome position (GRCh38, 1-based): chr6:75,152,431, C>G on the plus strand (G>C on the coding strand, the complement: COL12A1 is on the minus strand). VCF-style: chr6-75152431-C-G. GRCh37 (hg19) VCF-style: chr6-75862147-C-G.
Other names: c.3617G>C, p.Gly1206Ala (NM_001424113.1, NM_001424114.1); c.3344G>C, p.Gly1115Ala (NM_001424115.1); c.125G>C, p.Gly42Ala (NM_001424116.1, NM_080645.3); short protein forms G1115A, G1206A, G42A.
Identifiers: ClinVar variation 3758213 (VCV003758213.2).